The following is an entry in ClinVar:

ClinVar aggregate classification (germline): Pathogenic (1 of 4 stars; one submission).

Conditions:
Inborn genetic diseases. Identifiers: MedGen C0950123, MeSH D030342.

Submission:

Ambry Genetics
Classification: Pathogenic for Inborn genetic diseases. Last evaluated: 2026-01-23. Review status: criteria provided, single submitter. Criteria: Ambry Variant Classification Scheme 2023. Collection method: clinical testing. Allele origin: germline.
Comment: The c.1159C>T (p.R387*) alteration, located in exon 1 (coding exon 1) of the SMG8 gene, consists of a C to T substitution at nucleotide position 1159. This changes the amino acid from a arginine (R) to a stop codon at amino acid position 387. This alteration is expected to result in loss of function by premature protein truncation or nonsense-mediated mRNA decay. Based on data from gnomAD, the T allele has an overall frequency of <0.001% (1/251452) total alleles studied. The highest observed frequency was 0.003% (1/30616) of South Asian alleles. This variant has been identified in conjunction with another SMG8 variant in individual(s) with features consistent with Alzahrani-Kuwahara syndrome; in at least one instance, the variants were identified in trans (Fernandes, 2023). Based on the available evidence, this alteration is classified as pathogenic.

Literature cited by the submitters: PubMed 37194129.

NM_018149.7(SMG8):c.1159C>T (p.Arg387Ter)

Gene: SMG8 (SMG8 nonsense mediated mRNA decay factor; plus strand). Cytogenetic location: 17q22.
Variant type: single nucleotide variant.
Coding change: c.1159C>T on transcript NM_018149.7 (MANE Select); coding-DNA position 1159, C replaced by T.
Protein change: p.Arg387Ter; replaces arginine 387 with a stop codon.
Molecular consequence: nonsense.
Genome position (GRCh38, 1-based): chr17:59,211,210, C>T. VCF-style: chr17-59211210-C-T. GRCh37 (hg19) VCF-style: chr17-57288571-C-T.
Other names: short protein forms R387*.
Identifiers: ClinVar variation 4831315 (VCV004831315.1).